The following is an entry in ClinVar:

ClinVar aggregate classification (germline): Likely benign (1 of 4 stars; one submission).

Allele frequency attached by ClinVar (database versions not stated): gnomAD exomes below 0.00001.
gnomAD v4.1: 1 of 1,613,970 alleles (0.000062%); no homozygotes.

Submission:

CeGaT Center for Human Genetics Tuebingen
Classification: Likely benign. Last evaluated: 2024-03-01. Review status: criteria provided, single submitter. Criteria: CeGaT Center For Human Genetics Tuebingen Variant Classification Criteria Version 2. Collection method: clinical testing. Allele origin: germline. Affected: yes. Observed: 1 variant allele.
Comment: TEK: PM2:Supporting, BP4, BP7

NM_000459.5(TEK):c.3084A>G (p.Leu1028=)

Gene: TEK (TEK receptor tyrosine kinase; plus strand). Cytogenetic location: 9p21.2.
Variant type: single nucleotide variant.
Coding change: c.3084A>G on transcript NM_000459.5 (MANE Select); coding-DNA position 3084, A replaced by G.
Protein change: p.Leu1028=; no amino-acid change (leucine 1028 retained).
Molecular consequence: synonymous variant.
Genome position (GRCh38, 1-based): chr9:27,218,798, A>G. VCF-style: chr9-27218798-A-G. GRCh37 (hg19) VCF-style: chr9-27218796-A-G.
Other names: c.2955A>G, p.Leu985= (NM_001290077.2); c.2640A>G, p.Leu880= (NM_001290078.2); c.3081A>G, p.Leu1027= (NM_001375475.1); c.2952A>G, p.Leu984= (NM_001375476.1).
Identifiers: ClinVar variation 3067803 (VCV003067803.21), dbSNP rs1825926111, ClinGen allele CA464171044.